The following is an entry in ClinVar:

NM_007186.6(CEP250):c.5554A>G (p.Met1852Val)

Gene: CEP250 (centrosomal protein 250; plus strand). Cytogenetic location: 20q11.22.
Variant type: single nucleotide variant.
Coding change: c.5554A>G on transcript NM_007186.6 (MANE Select); coding-DNA position 5554, A replaced by G.
Protein change: p.Met1852Val; replaces methionine 1852 with valine.
Molecular consequence: missense variant.
Genome position (GRCh38, 1-based): chr20:35,503,923, A>G. VCF-style: chr20-35503923-A-G. GRCh37 (hg19) VCF-style: chr20-34091751-A-G.
Other names: c.5554A>G (NM_007186.3); c.3658A>G, p.Met1220Val (NM_001318219.1); short protein forms M1220V, M1852V.
Identifiers: ClinVar variation 1053816 (VCV001053816.11), dbSNP rs199900436, ClinGen allele CA9833892.

ClinVar aggregate classification (germline): Conflicting classifications of pathogenicity. Review status: criteria provided, conflicting classifications (1 of 4 stars). 3 submissions from 3 submitters: Uncertain significance (2); Likely benign (1). Last evaluated 2024-11-20.

Allele frequency attached by ClinVar (database versions not stated): gnomAD 0.00003 and 0.00004; TOPMed 0.00003; gnomAD exomes 0.00007 and 0.00008; ExAC 0.00010.

Submissions (3):

Blueprint Genetics
Classification: Uncertain significance. Last evaluated: 2024-11-20. Review status: criteria provided, single submitter. Criteria: ACMG Guidelines, 2015. Collection method: clinical testing. Allele origin: germline.

Ambry Genetics
Classification: Likely benign. Last evaluated: 2022-09-26. Review status: criteria provided, single submitter. Criteria: Ambry Variant Classification Scheme 2023. Collection method: clinical testing. Allele origin: germline.

Labcorp Genetics (formerly Invitae), Labcorp
Classification: Uncertain significance. Last evaluated: 2022-07-29. Review status: criteria provided, single submitter. Criteria: Invitae Variant Classification Sherloc (09022015). Collection method: clinical testing. Allele origin: germline.
Comment: This sequence change replaces methionine, which is neutral and non-polar, with valine, which is neutral and non-polar, at codon 1852 of the CEP250 protein (p.Met1852Val). This variant is present in population databases (rs199900436, gnomAD 0.01%). This variant has not been reported in the literature in individuals affected with CEP250-related conditions. ClinVar contains an entry for this variant (Variation ID: 1053816). Algorithms developed to predict the effect of missense changes on protein structure and function output the following: SIFT: "Not Available"; PolyPhen-2: "Benign"; Align-GVGD: "Not Available". The valine amino acid residue is found in multiple mammalian species, which suggests that this missense change does not adversely affect protein function. In summary, the available evidence is currently insufficient to determine the role of this variant in disease. Therefore, it has been classified as a Variant of Uncertain Significance.